The following is an entry in ClinVar:

NM_001374353.1(GLI2):c.2561A>G (p.Gln854Arg)

Gene: GLI2 (GLI family zinc finger 2; plus strand). Cytogenetic location: 2q14.2.
Variant type: single nucleotide variant.
Coding change: c.2561A>G on transcript NM_001374353.1 (MANE Select); coding-DNA position 2561, A replaced by G.
Protein change: p.Gln854Arg; replaces glutamine 854 with arginine.
Molecular consequence: missense variant.
Genome position (GRCh38, 1-based): chr2:120,988,526, A>G. VCF-style: chr2-120988526-A-G. GRCh37 (hg19) VCF-style: chr2-121746102-A-G.
Other names: c.2612A>G (NM_005270.4); c.2612A>G, p.Gln871Arg (NM_001371271.1, NM_005270.5); c.2186A>G, p.Gln729Arg (NM_001374354.1); short protein forms Q854R, Q729R, Q871R.
Identifiers: ClinVar variation 2935984 (VCV002935984.4), dbSNP rs1167240389, ClinGen allele CA348168325.

ClinVar aggregate classification (germline): Uncertain significance. Review status: criteria provided, multiple submitters, no conflicts (2 of 4 stars). 2 submissions from 2 submitters: Uncertain significance (2). Last evaluated 2024-04-02.

Conditions:
Holoprosencephaly 9 (HPE9). Also called: PITUITARY ANOMALIES WITH HOLOPROSENCEPHALY-LIKE FEATURES; HOLOPROSENCEPHALY WITH MICROPHTHALMIA AND FIRST BRANCHIAL ARCH ANOMALIES. Identifiers: Orphanet 2162, MedGen C1835819, MONDO:0012563, OMIM 610829.
Postaxial polydactyly-anterior pituitary anomalies-facial dysmorphism syndrome. Also called: Culler-Jones syndrome. Identifiers: Orphanet 420584, MedGen C4014479, MONDO:0014369, OMIM 615849.

Allele frequency attached by ClinVar (database versions not stated): gnomAD 0.00002; TOPMed 0.00002.

Submissions (2):

GeneDx
Classification: Uncertain significance. Last evaluated: 2024-04-02. Review status: criteria provided, single submitter. Criteria: GeneDx Variant Classification Process June 2021. Collection method: clinical testing. Allele origin: germline. Affected: yes.
Comment: Not observed at significant frequency in large population cohorts (gnomAD); In silico analysis supports that this missense variant has a deleterious effect on protein structure/function; Has not been previously published as pathogenic or benign to our knowledge

Labcorp Genetics (formerly Invitae), Labcorp
Classification: Uncertain significance for Postaxial polydactyly-anterior pituitary anomalies-facial dysmorphism syndrome; Holoprosencephaly 9. Last evaluated: 2023-10-08. Review status: criteria provided, single submitter. Criteria: Invitae Variant Classification Sherloc (09022015). Collection method: clinical testing. Allele origin: germline.
Comment: This sequence change replaces glutamine, which is neutral and polar, with arginine, which is basic and polar, at codon 871 of the GLI2 protein (p.Gln871Arg). This variant is not present in population databases (gnomAD no frequency). This variant has not been reported in the literature in individuals affected with GLI2-related conditions. Advanced modeling of protein sequence and biophysical properties (such as structural, functional, and spatial information, amino acid conservation, physicochemical variation, residue mobility, and thermodynamic stability) performed at Invitae indicates that this missense variant is expected to disrupt GLI2 protein function. In summary, the available evidence is currently insufficient to determine the role of this variant in disease. Therefore, it has been classified as a Variant of Uncertain Significance.